The following is an entry in ClinVar:

NC_000006.11:g.(?_80880989)_(81055997_?)del

Gene: BCKDHB (branched chain keto acid dehydrogenase E1 subunit beta; plus strand). Cytogenetic location: 6q14.1.
Variant type: Deletion.
Identifiers: ClinVar variation 2427614 (VCV002427614.3).

ClinVar aggregate classification (germline): Pathogenic (1 of 4 stars; one submission).

Conditions:
Maple syrup urine disease (MSUD). Identifiers: Orphanet 511, MedGen C0024776, MeSH D008375, MONDO:0009563. Disease mechanism: loss of function.

Submission:

Labcorp Genetics (formerly Invitae), Labcorp
Classification: Pathogenic for Maple syrup urine disease. Last evaluated: 2021-10-21. Review status: criteria provided, single submitter. Criteria: Invitae Variant Classification Sherloc (09022015). Collection method: clinical testing. Allele origin: germline.
Comment: This variant is a gross deletion of the genomic region encompassing exon(s) 6-10 of the BCKDHB gene, which includes the termination codon. This deletion extends beyond the assayed region for this gene and therefore may encompass additional genes. While this deletion is not anticipated to lead to nonsense mediated decay, it is expected to alter mRNA translation or result in a truncated protein product. This variant has not been reported in the literature in individuals affected with BCKDHB-related conditions. This variant disrupts a region of the BCKDHB protein in which other variant(s) (p.Arg387*) have been determined to be pathogenic (Invitae). This suggests that this is a clinically significant region of the protein, and that variants that disrupt it are likely to be disease-causing. For these reasons, this variant has been classified as Pathogenic.